The following is an entry in ClinVar:

NM_004360.5(CDH1):c.26C>G (p.Ser9Trp)

Gene: CDH1 (cadherin 1; plus strand). Cytogenetic location: 16q22.1.
Variant type: single nucleotide variant.
Coding change: c.26C>G on transcript NM_004360.5 (MANE Select); coding-DNA position 26, C replaced by G.
Protein change: p.Ser9Trp; replaces serine 9 with tryptophan.
Molecular consequence: missense variant. On other transcripts: 5 prime UTR variant (2).
Genome position (GRCh38, 1-based): chr16:68,737,441, C>G. VCF-style: chr16-68737441-C-G. GRCh37 (hg19) VCF-style: chr16-68771344-C-G.
Other names: c.26C>G, p.Ser9Trp (NM_001317184.2); c.-1590C>G (NM_001317185.2); c.-1794C>G (NM_001317186.2); short protein forms S9W.
Identifiers: ClinVar variation 2703400 (VCV002703400.3), dbSNP rs1555509646, ClinGen allele CA396451341.

ClinVar aggregate classification (germline): Uncertain significance (1 of 4 stars; one submission).

Conditions:
Hereditary diffuse gastric adenocarcinoma (HDGC). Also called: DIFFUSE GASTRIC AND LOBULAR BREAST CANCER SYNDROME. Identifiers: Orphanet 26106, MedGen C1708349, MONDO:0007648, OMIM 137215.

gnomAD v4.1: 1 of 1,535,660 alleles (0.000065%); highest among the groups gnomAD compares: South Asian, 0.0012%; no homozygotes.

Submission:

Labcorp Genetics (formerly Invitae), Labcorp
Classification: Uncertain significance for Hereditary diffuse gastric adenocarcinoma. Last evaluated: 2023-12-15. Review status: criteria provided, single submitter. Criteria: Invitae Variant Classification Sherloc (09022015). Collection method: clinical testing. Allele origin: germline.
Comment: This sequence change replaces serine, which is neutral and polar, with tryptophan, which is neutral and slightly polar, at codon 9 of the CDH1 protein (p.Ser9Trp). This variant is not present in population databases (gnomAD no frequency). This variant has not been reported in the literature in individuals affected with CDH1-related conditions. An algorithm developed to predict the effect of missense changes on protein structure and function (PolyPhen-2) suggests that this variant is likely to be disruptive. In summary, the available evidence is currently insufficient to determine the role of this variant in disease. Therefore, it has been classified as a Variant of Uncertain Significance.